The following is an entry in ClinVar:

ClinVar aggregate classification (germline): Uncertain significance (1 of 4 stars; one submission).

Conditions:
Early-infantile DEE. Also called: Early infantile epileptic encephalopathy; Ohtahara syndrome; Early infantile epileptic encephalopathy with suppression bursts. Identifiers: Orphanet 1934, MedGen C0393706, MONDO:0800491.

Allele frequency attached by ClinVar (database versions not stated): ExAC 0.00001; gnomAD 0.00001; gnomAD exomes 0.00001; TOPMed 0.00001.
gnomAD v4.1: 5 of 1,613,928 alleles (0.00031%); highest among the groups gnomAD compares: African/African-American, 0.0067%; no homozygotes.

Submission:

Labcorp Genetics (formerly Invitae), Labcorp
Classification: Uncertain significance for Early-infantile DEE. Last evaluated: 2022-07-26. Review status: criteria provided, single submitter. Criteria: Invitae Variant Classification Sherloc (09022015). Collection method: clinical testing. Allele origin: germline.
Comment: Algorithms developed to predict the effect of missense changes on protein structure and function output the following: SIFT: "Deleterious"; PolyPhen-2: "Benign"; Align-GVGD: "Class C0". The glutamic acid amino acid residue is found in multiple mammalian species, which suggests that this missense change does not adversely affect protein function. This variant has not been reported in the literature in individuals affected with CACNA2D2-related conditions. This variant is present in population databases (rs746491690, gnomAD 0.01%). This sequence change replaces glycine, which is neutral and non-polar, with glutamic acid, which is acidic and polar, at codon 181 of the CACNA2D2 protein (p.Gly181Glu). In summary, the available evidence is currently insufficient to determine the role of this variant in disease. Therefore, it has been classified as a Variant of Uncertain Significance.

NM_006030.4(CACNA2D2):c.542G>A (p.Gly181Glu)

Gene: CACNA2D2 (calcium voltage-gated channel auxiliary subunit alpha2delta 2; minus strand). Cytogenetic location: 3p21.31.
Variant type: single nucleotide variant.
Coding change: c.542G>A on transcript NM_006030.4 (MANE Select); coding-DNA position 542, G replaced by A.
Protein change: p.Gly181Glu; replaces glycine 181 with glutamic acid.
Molecular consequence: missense variant.
Genome position (GRCh38, 1-based): chr3:50,384,306, C>T on the plus strand (G>A on the coding strand, the complement: CACNA2D2 is on the minus strand). VCF-style: chr3-50384306-C-T. GRCh37 (hg19) VCF-style: chr3-50421737-C-T.
Other names: c.542G>A, p.Gly181Glu (NM_001005505.3, NM_001174051.3, NM_001410768.1); c.335G>A, p.Gly112Glu (NM_001291101.1); short protein forms G112E, G181E.
Identifiers: ClinVar variation 1944621 (VCV001944621.5), dbSNP rs746491690, ClinGen allele CA2419148.